The following is an entry in ClinVar:

NM_000059.4(BRCA2):c.7976G>T (p.Arg2659Ile)

Gene: BRCA2 (BRCA2 DNA repair associated; plus strand). Cytogenetic location: 13q13.1.
Variant type: single nucleotide variant.
Coding change: c.7976G>T on transcript NM_000059.4 (MANE Select); coding-DNA position 7976, G replaced by T.
Protein change: p.Arg2659Ile; replaces arginine 2659 with isoleucine.
Molecular consequence: missense variant.
Genome position (GRCh38, 1-based): chr13:32,362,693, G>T. VCF-style: chr13-32362693-G-T. GRCh37 (hg19) VCF-style: chr13-32936830-G-T.
Other names: c.7880G>T, p.Arg2627Ile (NM_001406719.1); c.7976G>T, p.Arg2659Ile (NM_001406720.1); c.3044G>T, p.Arg1015Ile (NM_001406721.1); c.1559G>T, p.Arg520Ile (NM_001406722.1); short protein forms R1015I, R520I, R2659I, R2627I.
Identifiers: ClinVar variation 1878261 (VCV001878261.4), dbSNP rs80359027, ClinGen allele CA387747368.

ClinVar aggregate classification (germline): Uncertain significance. Review status: criteria provided, multiple submitters, no conflicts (2 of 4 stars). 2 submissions from 2 submitters: Uncertain significance (2). Last evaluated 2023-08-14.

Conditions:
Hereditary breast ovarian cancer syndrome. Also called: Hereditary breast and ovarian cancer; Breast and ovarian cancer; Hereditary breast and/or ovarian cancer syndrome; BRCA1- and BRCA2-Associated Hereditary Breast and Ovarian Cancer; Hereditary breast and ovarian cancer syndrome; Hereditary breast and ovarian cancer syndrome (HBOC). Identifiers: Orphanet 145, MedGen C0677776, MeSH D061325, MONDO:0003582. Disease mechanism: loss of function.

Submissions (2):

Labcorp Genetics (formerly Invitae), Labcorp
Classification: Uncertain significance for Hereditary breast ovarian cancer syndrome. Last evaluated: 2023-08-14. Review status: criteria provided, single submitter. Criteria: Invitae Variant Classification Sherloc (09022015). Collection method: clinical testing. Allele origin: germline.
Comment: This variant is not present in population databases (gnomAD no frequency). This sequence change replaces arginine, which is basic and polar, with isoleucine, which is neutral and non-polar, at codon 2659 of the BRCA2 protein (p.Arg2659Ile). This variant also falls at the last nucleotide of exon 17, which is part of the consensus splice site for this exon. This variant has not been reported in the literature in individuals affected with BRCA2-related conditions. ClinVar contains an entry for this variant (Variation ID: 1878261). An algorithm developed to predict the effect of missense changes on protein structure and function (PolyPhen-2) suggests that this variant is likely to be disruptive. Variants that disrupt the consensus splice site are a relatively common cause of aberrant splicing (PMID: 17576681, 9536098). Algorithms developed to predict the effect of sequence changes on RNA splicing suggest that this variant may disrupt the consensus splice site. This variant disrupts the c.7976G nucleotide in the BRCA2 gene. Other variant(s) that disrupt this nucleotide have been determined to be pathogenic (PMID: 12624152, 16489001, 19043619, 28339459). This suggests that this nucleotide is clinically significant, and that variants that disrupt this position are likely to be disease-causing. In summary, the available evidence is currently insufficient to determine the role of this variant in disease. Therefore, it has been classified as a Variant of Uncertain Significance.

Women's Health and Genetics/Laboratory Corporation of America, LabCorp
Classification: Uncertain significance. Last evaluated: 2022-12-09. Review status: criteria provided, single submitter. Criteria: LabCorp Variant Classification Summary - May 2015. Collection method: clinical testing. Allele origin: germline.
Comment: Variant summary: BRCA2 c.7976G>T (p.Arg2659Ile) results in a non-conservative amino acid change located in the Breast cancer type 2 susceptibility protein, helical domain (IPR015252) of the encoded protein sequence. Five of five in-silico tools predict a damaging effect of the variant on protein function. The variant was absent in 251134 control chromosomes. The available data on variant occurrences in the general population are insufficient to allow any conclusion about variant significance. To our knowledge, no occurrence of c.7976G>T in individuals affected with Hereditary Breast And Ovarian Cancer Syndrome and no experimental evidence demonstrating its impact on protein function have been reported. Other variants at this amino acid position (c.7976G>A: p.Arg2659Lys and c.7976G>C: p.Arg2659Thr) have been reported as pathogenic but there is not enough data at this time to make any conclusions for c.7976G>T. No clinical diagnostic laboratories have submitted clinical-significance assessments for this variant to ClinVar after 2014. Based on the evidence outlined above, the variant was classified as uncertain significance.

Literature cited by the submitters: PubMed 17576681 (cited by Labcorp Genetics (formerly Invitae), Labcorp); PubMed 9536098 (cited by Labcorp Genetics (formerly Invitae), Labcorp); PubMed 12624152 (cited by Labcorp Genetics (formerly Invitae), Labcorp); PubMed 16489001 (cited by Labcorp Genetics (formerly Invitae), Labcorp); PubMed 19043619 (cited by Labcorp Genetics (formerly Invitae), Labcorp); PubMed 28339459 (cited by Labcorp Genetics (formerly Invitae), Labcorp).